The following is an entry in ClinVar:

NM_001110556.2(FLNA):c.513G>A (p.Arg171=)

Gene: FLNA (filamin A; minus strand). Cytogenetic location: Xq28.
Variant type: single nucleotide variant.
Coding change: c.513G>A on transcript NM_001110556.2 (MANE Select); coding-DNA position 513, G replaced by A.
Protein change: p.Arg171=; no amino-acid change (arginine 171 retained).
Molecular consequence: synonymous variant.
Genome position (GRCh38, 1-based): chrX:154,367,951, C>T on the plus strand (G>A on the coding strand, the complement: FLNA is on the minus strand). VCF-style: chrX-154367951-C-T. GRCh37 (hg19) VCF-style: chrX-153596319-C-T.
Other names: p.Arg171=; c.513G>A, p.Arg171= (NM_001456.4).
Identifiers: ClinVar variation 4684546 (VCV004684546.1).

ClinVar aggregate classification (germline): Likely benign (1 of 4 stars; one submission).

Submission:

Mayo Clinic Laboratories, Mayo Clinic
Classification: Likely benign. Last evaluated: 2024-12-20. Review status: criteria provided, single submitter. Criteria: ACMG Guidelines, 2015. Collection method: clinical testing. Allele origin: germline. Observed: 1 variant allele.
Comment: BP4, BP7, PM2_supporting